The following is an entry in ClinVar:

ClinVar aggregate classification (germline): Uncertain significance (1 of 4 stars; one submission).

Conditions:
Neuropathy, hereditary motor and sensory, type 6B (HMSN6B). Also called: HMSN VIB; CHARCOT-MARIE-TOOTH DISEASE, TYPE 6B; NEUROPATHY, HEREDITARY MOTOR AND SENSORY, TYPE VIB, WITH OPTIC ATROPHY; Neuropathy, hereditary motor and sensory, type VIB. Identifiers: MedGen C4225302, MONDO:0014671, OMIM 616505.

gnomAD v4.1: 2 of 1,613,428 alleles (0.00012%); highest among the groups gnomAD compares: Non-Finnish European, 0.00017%; no homozygotes.

Submission:

Labcorp Genetics (formerly Invitae), Labcorp
Classification: Uncertain significance for Neuropathy, hereditary motor and sensory, type 6B. Last evaluated: 2024-02-22. Review status: criteria provided, single submitter. Criteria: Invitae Variant Classification Sherloc (09022015). Collection method: clinical testing. Allele origin: germline.
Comment: This sequence change replaces alanine, which is neutral and non-polar, with valine, which is neutral and non-polar, at codon 176 of the SLC25A46 protein (p.Ala176Val). The frequency data for this variant in the population databases is considered unreliable, as metrics indicate poor data quality at this position in the gnomAD database. This missense change has been observed in individual(s) with clinical features of SLC25A46-related condtions (PMID: 32259769). Advanced modeling of protein sequence and biophysical properties (such as structural, functional, and spatial information, amino acid conservation, physicochemical variation, residue mobility, and thermodynamic stability) performed at Invitae indicates that this missense variant is not expected to disrupt SLC25A46 protein function with a negative predictive value of 80%. In summary, the available evidence is currently insufficient to determine the role of this variant in disease. Therefore, it has been classified as a Variant of Uncertain Significance.

Literature cited by the submitters: PubMed 32259769.

NM_138773.4(SLC25A46):c.527C>T (p.Ala176Val)

Gene: SLC25A46 (solute carrier family 25 member 46; plus strand). Cytogenetic location: 5q22.1.
Variant type: single nucleotide variant.
Coding change: c.527C>T on transcript NM_138773.4 (MANE Select); coding-DNA position 527, C replaced by T.
Protein change: p.Ala176Val; replaces alanine 176 with valine.
Molecular consequence: missense variant. On other transcripts: non-coding transcript variant (1).
Genome position (GRCh38, 1-based): chr5:110,748,227, C>T. VCF-style: chr5-110748227-C-T. GRCh37 (hg19) VCF-style: chr5-110083928-C-T.
Other names: c.527C>T, p.Ala176Val (NM_001303249.3); c.254C>T, p.Ala85Val (NM_001303250.3); short protein forms A176V, A85V.
Identifiers: ClinVar variation 3613664 (VCV003613664.2).
Genomic context (GRCh38, chr5:110,748,227, plus strand): 5'-CTAGAGCCCTGTGGAAAGGAATGGGAAGTACATTTATTGTCCAGGGAGTCACACTTGGAG[C>T]AGAAGGCATAATTAGTGAATTTACACCTTTGCCAAGGTACCATTTTTAGCATTTCTTCAG-3'
Protein context (NP_620128.1, residues 166-186): TFIVQGVTLG[Ala176Val]EGIISEFTPL